The following is an entry in ClinVar:

NM_001854.4(COL11A1):c.713A>C (p.His238Pro)

Gene: COL11A1 (collagen type XI alpha 1 chain; minus strand). Cytogenetic location: 1p21.1.
Variant type: single nucleotide variant.
Coding change: c.713A>C on transcript NM_001854.4 (MANE Select); coding-DNA position 713, A replaced by C.
Protein change: p.His238Pro; replaces histidine 238 with proline.
Molecular consequence: missense variant. On other transcripts: non-coding transcript variant (1).
Genome position (GRCh38, 1-based): chr1:103,031,183, T>G on the plus strand (A>C on the coding strand, the complement: COL11A1 is on the minus strand). VCF-style: chr1-103031183-T-G. GRCh37 (hg19) VCF-style: chr1-103496739-T-G.
Other names: c.713A>C, p.His238Pro (NM_001190709.2, NM_080629.3, NM_080630.4); short protein forms H238P.
Identifiers: ClinVar variation 3689974 (VCV003689974.3).

ClinVar aggregate classification (germline): Uncertain significance. Review status: criteria provided, multiple submitters, no conflicts (2 of 4 stars). 2 submissions from 2 submitters: Uncertain significance (2). Last evaluated 2024-05-27.

Submissions (2):

Labcorp Genetics (formerly Invitae), Labcorp
Classification: Uncertain significance. Last evaluated: 2024-05-27. Review status: criteria provided, single submitter. Criteria: Invitae Variant Classification Sherloc (09022015). Collection method: clinical testing. Allele origin: germline.
Comment: This sequence change replaces histidine, which is basic and polar, with proline, which is neutral and non-polar, at codon 238 of the COL11A1 protein (p.His238Pro). This variant is not present in population databases (gnomAD no frequency). This variant has not been reported in the literature in individuals affected with COL11A1-related conditions. Advanced modeling of protein sequence and biophysical properties (such as structural, functional, and spatial information, amino acid conservation, physicochemical variation, residue mobility, and thermodynamic stability) performed at Invitae indicates that this missense variant is not expected to disrupt COL11A1 protein function with a negative predictive value of 95%. In summary, the available evidence is currently insufficient to determine the role of this variant in disease. Therefore, it has been classified as a Variant of Uncertain Significance.

Blueprint Genetics
Classification: Uncertain significance. Last evaluated: 2021-08-23. Review status: criteria provided, single submitter. Criteria: ACMG Guidelines, 2015. Collection method: clinical testing. Allele origin: germline.